The following is an entry in ClinVar:

NM_006231.4(POLE):c.2182C>T (p.Arg728Trp)

Gene: POLE (DNA polymerase epsilon, catalytic subunit; minus strand). Cytogenetic location: 12q24.33.
Variant type: single nucleotide variant.
Coding change: c.2182C>T on transcript NM_006231.4 (MANE Select); coding-DNA position 2182, C replaced by T.
Protein change: p.Arg728Trp; replaces arginine 728 with tryptophan.
Molecular consequence: missense variant.
Genome position (GRCh38, 1-based): chr12:132,667,640, G>A on the plus strand (C>T on the coding strand, the complement: POLE is on the minus strand). VCF-style: chr12-132667640-G-A. GRCh37 (hg19) VCF-style: chr12-133244226-G-A.
Other names: c.2182C>T (NM_006231.2); short protein forms R728W.
Identifiers: ClinVar variation 571057 (VCV000571057.23), dbSNP rs1020252487, ClinGen allele CA246287991.

ClinVar aggregate classification (germline): Uncertain significance. Review status: criteria provided, multiple submitters, no conflicts (2 of 4 stars). 7 submissions from 7 submitters: Uncertain significance (7). Last evaluated 2026-01-20.

Conditions:
Intrauterine growth retardation, metaphyseal dysplasia, adrenal hypoplasia congenita, genital anomalies, and immunodeficiency. Also called: IMAGEI SYNDROME. Identifiers: MedGen C5193036, MONDO:0032684, OMIM 618336.
Colorectal cancer, susceptibility to, 12 (CRCS12). Also called: COLORECTAL CANCER, SUSCEPTIBILITY TO, ON CHROMOSOME 12q24. Identifiers: Orphanet 220460, MedGen C3554460, MONDO:0014038, OMIM 615083.
Facial dysmorphism-immunodeficiency-livedo-short stature syndrome. Also called: Facial dysmorphism, immunodeficiency, livedo, and short stature; FILS syndrome. Identifiers: Orphanet 352712, MedGen C3554576, MONDO:0014058, OMIM 615139.
Hereditary cancer-predisposing syndrome. Also called: Hereditary neoplastic syndrome; Tumor predisposition; Neoplastic Syndromes, Hereditary; Hereditary Cancer Syndrome. Identifiers: Orphanet 140162, MedGen C0027672, MeSH D009386, MONDO:0015356.

Allele frequency attached by ClinVar (database versions not stated): gnomAD exomes 0.00001; TOPMed 0.00002.
gnomAD v4.1: 10 of 1,614,114 alleles (0.00062%); highest among the groups gnomAD compares: Admixed American, 0.0033%; no homozygotes.

Submissions (7):

Labcorp Genetics (formerly Invitae), Labcorp
Classification: Uncertain significance. Last evaluated: 2026-01-20. Review status: criteria provided, single submitter. Criteria: Invitae Variant Classification Sherloc (09022015). Collection method: clinical testing. Allele origin: germline.
Comment: This sequence change replaces arginine, which is basic and polar, with tryptophan, which is neutral and slightly polar, at codon 728 of the POLE protein (p.Arg728Trp). This variant is present in population databases (no rsID available, gnomAD 0.006%). This variant has not been reported in the literature in individuals affected with POLE-related conditions. ClinVar contains an entry for this variant (Variation ID: 571057). Invitae Evidence Modeling of protein sequence and biophysical properties (such as structural, functional, and spatial information, amino acid conservation, physicochemical variation, residue mobility, and thermodynamic stability) indicates that this missense variant is expected to disrupt POLE protein function with a positive predictive value of 80%. In summary, the available evidence is currently insufficient to determine the role of this variant in disease. Therefore, it has been classified as a Variant of Uncertain Significance.

Ambry Genetics
Classification: Uncertain significance for Hereditary cancer-predisposing syndrome. Last evaluated: 2024-12-09. Review status: criteria provided, single submitter. Criteria: Ambry Variant Classification Scheme 2023. Collection method: clinical testing. Allele origin: germline.
Comment: The p.R728W variant (also known as c.2182C>T), located in coding exon 20 of the POLE gene, results from a C to T substitution at nucleotide position 2182. The arginine at codon 728 is replaced by tryptophan, an amino acid with dissimilar properties. This amino acid position is well conserved in available vertebrate species. In addition, the in silico prediction for this alteration is inconclusive. Based on the available evidence, the clinical significance of this variant remains unclear.

GeneDx
Classification: Uncertain significance. Last evaluated: 2024-04-26. Review status: criteria provided, single submitter. Criteria: GeneDx Variant Classification Process June 2021. Collection method: clinical testing. Allele origin: germline. Affected: yes.
Comment: Not observed at significant frequency in large population cohorts (gnomAD); In silico analysis supports that this missense variant has a deleterious effect on protein structure/function; Has not been previously published as pathogenic or benign to our knowledge; This variant is associated with the following publications: (PMID: 20951805)

ARUP Laboratories, Molecular Genetics and Genomics, ARUP Laboratories
Classification: Uncertain significance. Last evaluated: 2023-12-05. Review status: criteria provided, single submitter. Criteria: ARUP Molecular Germline Variant Investigation Process 2024. Collection method: clinical testing. Allele origin: germline.
Comment: The POLE c.2182C>T; p.Arg728Trp variant (rs1020252487), to our knowledge, is not reported in the medical literature but is reported in ClinVar (Variation ID: 571057). This variant is observed in the general population with an overall allele frequency of 0.0008% (2/251398 alleles) in the Genome Aggregation Database (v2.1.1). Computational analyses are uncertain whether this variant is neutral or deleterious (REVEL: 0.395). This variant is not located in the exonuclease domain (Palles 2013), and gene-disease association has not been established for variants outside of the exonuclease domain (Seifert 2019). Due to limited information, the clinical significance of this variant is uncertain at this time. References: Palles C et al. Germline mutations affecting the proofreading domains of POLE and POLD1 predispose to colorectal adenomas and carcinomas. Nat Genet. 2013 Feb;45(2):136-44. PMID: 23263490. Seifert BA et al. Determining the clinical validity of hereditary colorectal cancer and polyposis susceptibility genes using the Clinical Genome Resource Clinical Validity Framework. Genet Med. 2019 Jul;21(7):1507-1516. PMID: 30523343.

Institute for Clinical Genetics, University Hospital TU Dresden, University Hospital TU Dresden
Classification: Uncertain significance. Last evaluated: 2021-11-03. Review status: criteria provided, single submitter. Criteria: ACMG Guidelines, 2015. Collection method: clinical testing. Allele origin: germline.

Genetic Services Laboratory, University of Chicago
Classification: Uncertain significance. Last evaluated: 2021-10-11. Review status: criteria provided, single submitter. Criteria: ACMG Guidelines, 2015. Collection method: clinical testing. Allele origin: germline. Affected: no.
Comment: This sequence change does not appear to have been previously described in individuals with POLE-related disorders. This sequence change has been described in the gnomAD database in 2 individual which corresponds to a population frequency of 0.0058% (dbSNP rs1020252487). The p.Arg728Trp change affects a highly conserved amino acid residue located in a domain of the POLE protein that is known to be functional. The p.Arg728Trp substitution appears to be deleterious using several in-silico pathogenicity prediction tools (SIFT, PolyPhen2, Align GVGD, REVEL). Due to insufficient evidence and the lack of functional studies, the clinical significance of the p.Arg728Trp change remains unknown at this time.

Fulgent Genetics
Classification: Uncertain significance for Colorectal cancer, susceptibility to, 12; Facial dysmorphism-immunodeficiency-livedo-short stature syndrome; Intrauterine growth retardation, metaphyseal dysplasia, adrenal hypoplasia congenita, genital anomalies, and immunodeficiency. Last evaluated: 2021-08-04. Review status: criteria provided, single submitter. Criteria: ACMG Guidelines, 2015. Collection method: clinical testing. Allele origin: unknown.